The following is an entry in ClinVar:

ClinVar aggregate classification (germline): Uncertain significance (1 of 4 stars; one submission).

Allele frequency attached by ClinVar (database versions not stated): gnomAD exomes below 0.00001; ESP Exome Variant Server 0.00008.
gnomAD v4.1: 4 of 1,613,932 alleles (0.00025%); highest among the groups gnomAD compares: South Asian, 0.0033%; no homozygotes.

Submission:

Labcorp Genetics (formerly Invitae), Labcorp
Classification: Uncertain significance. Last evaluated: 2022-06-28. Review status: criteria provided, single submitter. Criteria: Invitae Variant Classification Sherloc (09022015). Collection method: clinical testing. Allele origin: germline.
Comment: This variant is not present in population databases (gnomAD no frequency). This sequence change replaces proline, which is neutral and non-polar, with leucine, which is neutral and non-polar, at codon 1042 of the OBSL1 protein (p.Pro1042Leu). This variant has not been reported in the literature in individuals affected with OBSL1-related conditions. In summary, the available evidence is currently insufficient to determine the role of this variant in disease. Therefore, it has been classified as a Variant of Uncertain Significance. Algorithms developed to predict the effect of missense changes on protein structure and function (SIFT, PolyPhen-2, Align-GVGD) all suggest that this variant is likely to be tolerated.

NM_015311.3(OBSL1):c.3125C>T (p.Pro1042Leu)

Gene: OBSL1 (obscurin like cytoskeletal adaptor 1; minus strand). Cytogenetic location: 2q35.
Variant type: single nucleotide variant.
Coding change: c.3125C>T on transcript NM_015311.3 (MANE Select); coding-DNA position 3125, C replaced by T.
Protein change: p.Pro1042Leu; replaces proline 1042 with leucine.
Molecular consequence: missense variant.
Genome position (GRCh38, 1-based): chr2:219,559,326, G>A on the plus strand (C>T on the coding strand, the complement: OBSL1 is on the minus strand). VCF-style: chr2-219559326-G-A. GRCh37 (hg19) VCF-style: chr2-220424048-G-A.
Other names: c.3125C>T, p.Pro1042Leu (NM_001173431.2); short protein forms P1042L.
Identifiers: ClinVar variation 1424754 (VCV001424754.6), dbSNP rs368412979, ClinGen allele CA66029672.
Genomic context (GRCh38, chr2:219,559,326, plus strand): 5'-TCACATACAAACTCGCCCCCGTCCTCGGGCTGAGCAGCAGGTAGCACCAGGCGGCAGCGT[G>A]GCCCATCCCTCTCCAGCACCAGGGCCTCGCTCTCCTCCACTTCCAGCCCATCCTTGTACC-3'
Protein context (NP_056126.1, residues 1032-1052): SEALVLERDG[Pro1042Leu]RCRLVLPAAQ